The following is an entry in ClinVar:

NM_001127511.3(APC):c.116A>G (p.Lys39Arg)

Gene: APC (APC regulator of Wnt signaling pathway; plus strand). Cytogenetic location: 5q22.2.
Variant type: single nucleotide variant.
Coding change: c.116A>G on transcript NM_001127511.3; coding-DNA position 116, A replaced by G.
Protein change: p.Lys39Arg; replaces lysine 39 with arginine.
Molecular consequence: missense variant. On other transcripts: 5 prime UTR variant (8), non-coding transcript variant (1), intron variant (5).
Genome position (GRCh38, 1-based): chr5:112,707,833, A>G. VCF-style: chr5-112707833-A-G. GRCh37 (hg19) VCF-style: chr5-112043530-A-G.
Other names: c.-68A>G (NM_001354895.2, NM_001407447.1, NM_001407452.1 and 3 more transcripts); c.116A>G, p.Lys39Arg (NM_001354897.2, NM_001354902.2, NM_001407446.1); c.-1103A>G (NM_001407470.1, NM_001407472.1); c.-19+184A>G (NM_001407448.1, NM_001407450.1, NM_001407457.1 and 1 more transcripts); c.-43+184A>G (NM_001407453.1); short protein forms K39R.
Identifiers: ClinVar variation 1008681 (VCV001008681.7), dbSNP rs1750612690, ClinGen allele CA360612025.

ClinVar aggregate classification (germline): Uncertain significance (1 of 4 stars; one submission).

Conditions:
Familial adenomatous polyposis 1 (FAP1). Also called: FAMILIAL ADENOMATOUS POLYPOSIS 1, ATTENUATED; POLYPOSIS, ADENOMATOUS INTESTINAL. Identifiers: MedGen C2713442, MONDO:0021056, OMIM 175100. Disease mechanism: loss of function.

Submission:

Labcorp Genetics (formerly Invitae), Labcorp
Classification: Uncertain significance for Familial adenomatous polyposis 1. Last evaluated: 2025-10-07. Review status: criteria provided, single submitter. Criteria: Invitae Variant Classification Sherloc (09022015). Collection method: clinical testing. Allele origin: germline.
Comment: This variant occurs in a non-coding region of the APC gene. It does not change the encoded amino acid sequence of the APC protein. This variant is not present in population databases (gnomAD no frequency). This variant has not been reported in the literature in individuals affected with APC-related conditions. Experimental studies and prediction algorithms are not available or were not evaluated, and the functional significance of this variant is currently unknown. In summary, the available evidence is currently insufficient to determine the role of this variant in disease. Therefore, it has been classified as a Variant of Uncertain Significance.